The following is an entry in ClinVar:

ClinVar aggregate classification (germline): Uncertain significance. Review status: criteria provided, multiple submitters, no conflicts (2 of 4 stars). 3 submissions from 3 submitters: Uncertain significance (3). Last evaluated 2025-07-06.

Conditions:
Cornelia de Lange syndrome 1 (CDLS1). Also called: NIPBL-Related Cornelia de Lange Syndrome; TYPUS DEGENERATIVUS AMSTELODAMENSIS; Brachmann de Lange syndrome. Identifiers: Orphanet 199, MedGen C4551851, MONDO:0007387, OMIM 122470.

Allele frequency attached by ClinVar (database versions not stated): gnomAD exomes below 0.00001; TOPMed below 0.00001.
gnomAD v4.1: 2 of 1,613,966 alleles (0.00012%); highest among the groups gnomAD compares: Non-Finnish European, 0.00017%; no homozygotes.

Submissions (3):

Labcorp Genetics (formerly Invitae), Labcorp
Classification: Uncertain significance for Cornelia de Lange syndrome 1. Last evaluated: 2025-07-06. Review status: criteria provided, single submitter. Criteria: Invitae Variant Classification Sherloc (09022015). Collection method: clinical testing. Allele origin: germline.
Comment: This sequence change replaces arginine, which is basic and polar, with glutamine, which is neutral and polar, at codon 1723 of the NIPBL protein (p.Arg1723Gln). This variant is not present in population databases (gnomAD no frequency). This variant has not been reported in the literature in individuals affected with NIPBL-related conditions. ClinVar contains an entry for this variant (Variation ID: 353383). Invitae Evidence Modeling of protein sequence and biophysical properties (such as structural, functional, and spatial information, amino acid conservation, physicochemical variation, residue mobility, and thermodynamic stability) indicates that this missense variant is expected to disrupt NIPBL protein function with a positive predictive value of 95%. In summary, the available evidence is currently insufficient to determine the role of this variant in disease. Therefore, it has been classified as a Variant of Uncertain Significance.

Illumina Laboratory Services, Illumina
Classification: Uncertain significance for Cornelia de Lange syndrome 1. Last evaluated: 2018-01-13. Review status: criteria provided, single submitter. Criteria: ICSL Variant Classification Criteria 13 December 2019. Collection method: clinical testing. Allele origin: germline.

Juno Genomics, Hangzhou Juno Genomics, Inc
Classification: Uncertain significance for Cornelia de Lange syndrome 1. Review status: criteria provided, single submitter. Criteria: ACMG Guidelines, 2015. Collection method: clinical testing. Allele origin: germline.
Comment: Missense variant in a gene that has a low rate of benign missense variation.;Multiple lines of computational evidence support a deleterious effect on the gene or gene product.;Absent from controls (or at extremely low frequency if recessive) in Genome Aggregation Database.

NM_133433.4(NIPBL):c.5168G>A (p.Arg1723Gln)

Gene: NIPBL (NIPBL cohesin loading factor; plus strand). Cytogenetic location: 5p13.2.
Variant type: single nucleotide variant.
Coding change: c.5168G>A on transcript NM_133433.4 (MANE Select); coding-DNA position 5168, G replaced by A.
Protein change: p.Arg1723Gln; replaces arginine 1723 with glutamine.
Molecular consequence: missense variant.
Genome position (GRCh38, 1-based): chr5:37,020,616, G>A. VCF-style: chr5-37020616-G-A. GRCh37 (hg19) VCF-style: chr5-37020718-G-A.
Other names: c.5168G>A, p.Arg1723Gln (NM_015384.5); short protein forms R1723Q.
Identifiers: ClinVar variation 353383 (VCV000353383.11), dbSNP rs886060558, ClinGen allele CA10620336.